The following is an entry in ClinVar:

NM_001384732.1(CPLANE1):c.4805G>A (p.Arg1602Gln)

Gene: CPLANE1 (ciliogenesis and planar polarity effector complex subunit 1; minus strand). Cytogenetic location: 5p13.2.
Variant type: single nucleotide variant.
Coding change: c.4805G>A on transcript NM_001384732.1 (MANE Select); coding-DNA position 4805, G replaced by A.
Protein change: p.Arg1602Gln; replaces arginine 1602 with glutamine.
Molecular consequence: missense variant.
Genome position (GRCh38, 1-based): chr5:37,183,376, C>T on the plus strand (G>A on the coding strand, the complement: CPLANE1 is on the minus strand). VCF-style: chr5-37183376-C-T. GRCh37 (hg19) VCF-style: chr5-37183478-C-T.
Other names: c.4805G>A, p.Arg1602Gln (NM_023073.4); short protein forms R1602Q.
Identifiers: ClinVar variation 2159882 (VCV002159882.4), dbSNP rs199711701, ClinGen allele CA117069166.
Genomic context (GRCh38, chr5:37,183,376, plus strand): 5'-GCAACAACAAAGCAAGAACCAGCTCTAAACACATTCTGGCTTTTAGTTTTGCTCTGATGT[C>T]GTTTTAATGTTGTATGTACATCAAAAAGTAAAGAATTAAGTTCATGTTCTCTAAGCTTTC-3'
Protein context (NP_001371661.1, residues 1592-1612): LLFDVHTTLK[Arg1602Gln]HQSKTKSQNV

ClinVar aggregate classification (germline): Uncertain significance (1 of 4 stars; one submission).

Allele frequency attached by ClinVar (database versions not stated): gnomAD 0.00001; gnomAD exomes 0.00001.
gnomAD v4.1: 9 of 1,612,288 alleles (0.00056%); highest among the groups gnomAD compares: East Asian, 0.0045%; no homozygotes.

Submission:

Labcorp Genetics (formerly Invitae), Labcorp
Classification: Uncertain significance. Last evaluated: 2022-08-07. Review status: criteria provided, single submitter. Criteria: Invitae Variant Classification Sherloc (09022015). Collection method: clinical testing. Allele origin: germline.
Comment: Algorithms developed to predict the effect of missense changes on protein structure and function output the following: SIFT: "Deleterious"; PolyPhen-2: "Possibly Damaging"; Align-GVGD: "Class C0". The glutamine amino acid residue is found in multiple mammalian species, which suggests that this missense change does not adversely affect protein function. In summary, the available evidence is currently insufficient to determine the role of this variant in disease. Therefore, it has been classified as a Variant of Uncertain Significance. This sequence change replaces arginine, which is basic and polar, with glutamine, which is neutral and polar, at codon 1602 of the CPLANE1 protein (p.Arg1602Gln). The frequency data for this variant in the population databases is considered unreliable, as metrics indicate poor data quality at this position in the gnomAD database. This variant has not been reported in the literature in individuals affected with CPLANE1-related conditions.